The following is an entry in ClinVar:

NM_007327.4(GRIN1):c.514G>A (p.Glu172Lys)

Gene: GRIN1 (glutamate ionotropic receptor NMDA type subunit 1; plus strand). Cytogenetic location: 9q34.3.
Variant type: single nucleotide variant.
Coding change: c.514G>A on transcript NM_007327.4 (MANE Select); coding-DNA position 514, G replaced by A.
Protein change: p.Glu172Lys; replaces glutamic acid 172 with lysine.
Molecular consequence: missense variant.
Genome position (GRCh38, 1-based): chr9:137,145,846, G>A. VCF-style: chr9-137145846-G-A. GRCh37 (hg19) VCF-style: chr9-140040298-G-A.
Other names: c.514G>A, p.Glu172Lys (NM_000832.7, NM_001185090.2, NM_001185091.2 and 1 more transcripts); c.514G>A (NM_007327.3); short protein forms E172K.
Identifiers: ClinVar variation 2150199 (VCV002150199.6), dbSNP rs1832499155, ClinGen allele CA375714088.

ClinVar aggregate classification (germline): Likely pathogenic. Review status: criteria provided, single submitter (1 of 4 stars). 2 submissions from 2 submitters: Likely pathogenic (1). 1 of the submissions does not count toward it. Last evaluated 2025-01-06.

Conditions:
GRIN1-related disorder. Also called: GRIN1-related condition.
Neurodevelopmental disorder with or without hyperkinetic movements and seizures, autosomal dominant. Also called: Intellectual disability, autosomal dominant 8. Identifiers: MedGen C3280282, MONDO:0013655, OMIM 614254.

gnomAD v4.1: 1 of 1,611,832 alleles (0.000062%); no homozygotes.

Submissions (2):

Labcorp Genetics (formerly Invitae), Labcorp
Classification: Likely pathogenic for Neurodevelopmental disorder with or without hyperkinetic movements and seizures, autosomal dominant. Last evaluated: 2025-01-06. Review status: criteria provided, single submitter. Criteria: Invitae Variant Classification Sherloc (09022015). Collection method: clinical testing. Allele origin: germline.
Comment: This sequence change replaces glutamic acid, which is acidic and polar, with lysine, which is basic and polar, at codon 172 of the GRIN1 protein (p.Glu172Lys). This variant is not present in population databases (gnomAD no frequency). This missense change has been observed in individual(s) with clinical features of developmental and epileptic encephalopathy (internal data). In at least one individual the variant was observed to be de novo. ClinVar contains an entry for this variant (Variation ID: 2150199). Invitae Evidence Modeling of protein sequence and biophysical properties (such as structural, functional, and spatial information, amino acid conservation, physicochemical variation, residue mobility, and thermodynamic stability) indicates that this missense variant is not expected to disrupt GRIN1 protein function with a negative predictive value of 95%. In summary, the currently available evidence indicates that the variant is pathogenic, but additional data are needed to prove that conclusively. Therefore, this variant has been classified as Likely Pathogenic.

PreventionGenetics, part of Exact Sciences
Classification: Uncertain significance for GRIN1-related condition. Last evaluated: 2024-03-27. Review status: no assertion criteria provided. Collection method: clinical testing. Allele origin: germline. Not counted in ClinVar's aggregate classification.
Comment: The GRIN1 c.514G>A variant is predicted to result in the amino acid substitution p.Glu172Lys. To our knowledge, this variant has not been reported in the literature or in a large population database, indicating this variant is rare. At this time, the clinical significance of this variant is uncertain due to the absence of conclusive functional and genetic evidence.